The following is an entry in ClinVar:

ClinVar aggregate classification (germline): Uncertain significance. Review status: criteria provided, multiple submitters, no conflicts (2 of 4 stars). 4 submissions from 4 submitters: Uncertain significance (3). 1 of the submissions does not count toward it. Last evaluated 2025-12-22.

Conditions:
RYR1-related disorder. Also called: RYR1-related disorders; RYR1-related condition. Identifiers: MedGen CN239331.

Submissions (4):

Labcorp Genetics (formerly Invitae), Labcorp
Classification: Uncertain significance for RYR1-related disorder. Last evaluated: 2025-12-22. Review status: criteria provided, single submitter. Criteria: Invitae Variant Classification Sherloc (09022015). Collection method: clinical testing. Allele origin: germline.
Comment: This variant, c.12797_12817del, results in the deletion of 7 amino acid(s) of the RYR1 protein (p.Gly4266_Ala4272del), but otherwise preserves the integrity of the reading frame. This variant is present in population databases (no rsID available, gnomAD 0.007%). This variant has not been reported in the literature in individuals affected with RYR1-related conditions. ClinVar contains an entry for this variant (Variation ID: 1037972). Experimental studies and prediction algorithms are not available or were not evaluated, and the functional significance of this variant is currently unknown. In summary, the available evidence is currently insufficient to determine the role of this variant in disease. Therefore, it has been classified as a Variant of Uncertain Significance.

GeneDx
Classification: Uncertain significance. Last evaluated: 2025-05-21. Review status: criteria provided, single submitter. Criteria: GeneDx Variant Classification Process June 2021. Collection method: clinical testing. Allele origin: germline.
Comment: Not observed at significant frequency in large population cohorts (gnomAD); In-frame deletion of 7 amino acids in a non-repeat region; In silico analysis suggests that this variant does not alter protein structure/function; Has not been previously published as pathogenic or benign to our knowledge

Revvity Omics, Revvity
Classification: Uncertain significance. Last evaluated: 2022-04-29. Review status: criteria provided, single submitter. Criteria: ACMG Guidelines, 2015. Collection method: clinical testing. Allele origin: germline.

PreventionGenetics, part of Exact Sciences
Classification: Uncertain significance for RYR1-related condition. Last evaluated: 2024-06-02. Review status: no assertion criteria provided. Collection method: clinical testing. Allele origin: germline. Not counted in ClinVar's aggregate classification.
Comment: The RYR1 c.12797_12817del21 variant is predicted to result in an in-frame deletion (p.Gly4266_Ala4272del). To our knowledge, this variant has not been reported in the literature. This variant is reported in 0.0029% of alleles in individuals of European (Non-Finnish) descent in gnomAD. At this time, the clinical significance of this variant is uncertain due to the absence of conclusive functional and genetic evidence.

NM_000540.3(RYR1):c.12797_12817del (p.Gly4266_Ala4272del)

Gene: RYR1 (ryanodine receptor 1; plus strand). Cytogenetic location: 19q13.2.
Variant type: Deletion.
Coding change: c.12797_12817del on transcript NM_000540.3 (MANE Select); coding-DNA positions 12797 to 12817, 21 bases deleted (GCGCGGCGGAGGCGGGCGCGG).
Protein change: p.Gly4266_Ala4272del.
Molecular consequence: inframe deletion.
Genome position (GRCh38, 1-based): chr19:38,565,131-38,565,151, GCGCGGCGGAGGCGGGCGCGG deleted; deleting any 21 consecutive bases within chr19:38,565,123-38,565,151 gives the same sequence; the c. name uses the placement nearest the transcript's 3' end. VCF-style (leftmost placement, unchanged base first): chr19-38565122-AGGGCGCGGGCGCGGCGGAGGC-A. GRCh37 (hg19) VCF-style: chr19-39055762-AGGGCGCGGGCGCGGCGGAGGC-A.
Other names: c.12782_12802del, p.Gly4261_Ala4267del (NM_001042723.2); c.12797_12817del21 (NM_000540.2); c.12797_12817del (NM_000540.2).
Identifiers: ClinVar variation 1037972 (VCV001037972.9), dbSNP rs928648668, ClinGen allele CA308109162.
Genomic context (GRCh38, chr19:38,565,122, plus strand): 5'-AGATGCAGATCGCCGCGCAGATCTCGGAGCCCGAGGGCGAGCCGGAGACCGACGAGGACG[AGGGCGCGGGCGCGGCGGAGGC>A]GGGCGCGGAAGGCGCGGAGGAGGGCGCGGCGGGGCTCGAGGGCACGGCGGCCACGGCGGC-3'